The following is an entry in ClinVar:

ClinVar aggregate classification (germline): Uncertain significance (1 of 4 stars; one submission).

Conditions:
Neuronal ceroid lipofuscinosis. Also called: Neuronal Ceroid Lipofuscinoses. Identifiers: Orphanet 216, Orphanet 79263, MedGen C0027877, MONDO:0016295. Disease mechanism: loss of function.

Allele frequency attached by ClinVar (database versions not stated): ExAC 0.00004.
gnomAD v4.1: 15 of 1,564,222 alleles (0.00096%); highest among the groups gnomAD compares: South Asian, 0.013%; no homozygotes.

Submission:

Labcorp Genetics (formerly Invitae), Labcorp
Classification: Uncertain significance for Neuronal ceroid lipofuscinosis. Last evaluated: 2019-04-19. Review status: criteria provided, single submitter. Criteria: Invitae Variant Classification Sherloc (09022015). Collection method: clinical testing. Allele origin: germline.
Comment: This sequence change replaces threonine with methionine at codon 169 of the DNAJC5 protein (p.Thr169Met). The threonine residue is weakly conserved and there is a moderate physicochemical difference between threonine and methionine. This variant is present in population databases (rs777119527, ExAC 0.01%). This variant has not been reported in the literature in individuals with DNAJC5-related conditions. Algorithms developed to predict the effect of missense changes on protein structure and function (SIFT, PolyPhen-2, Align-GVGD) all suggest that this variant is likely to be tolerated, but these predictions have not been confirmed by published functional studies and their clinical significance is uncertain. In summary, the available evidence is currently insufficient to determine the role of this variant in disease. Therefore, it has been classified as a Variant of Uncertain Significance.

NM_025219.3(DNAJC5):c.506C>T (p.Thr169Met)

Gene: DNAJC5 (DnaJ heat shock protein family (Hsp40) member C5; plus strand). Cytogenetic location: 20q13.33.
Variant type: single nucleotide variant.
Coding change: c.506C>T on transcript NM_025219.3 (MANE Select); coding-DNA position 506, C replaced by T.
Protein change: p.Thr169Met; replaces threonine 169 with methionine.
Molecular consequence: missense variant.
Genome position (GRCh38, 1-based): chr20:63,931,477, C>T. VCF-style: chr20-63931477-C-T. GRCh37 (hg19) VCF-style: chr20-62562830-C-T.
Other names: short protein forms T169M.
Identifiers: ClinVar variation 944954 (VCV000944954.9), dbSNP rs777119527, ClinGen allele CA9969795.